The following is an entry in ClinVar:

ClinVar aggregate classification (germline): Uncertain significance (1 of 4 stars; one submission).

Conditions:
Lipodystrophy, partial, acquired, susceptibility to (APLD). Also called: APLD, SUSCEPTIBILITY TO. Identifiers: MedGen C3887501, MONDO:0100476, OMIM 608709.
Progressive myoclonic epilepsy type 9. Identifiers: Orphanet 457265, MedGen C4225289, MONDO:0014685, OMIM 616540.

Allele frequency attached by ClinVar (database versions not stated): gnomAD 0.00001; TOPMed 0.00001.

Submission:

Labcorp Genetics (formerly Invitae), Labcorp
Classification: Uncertain significance for Progressive myoclonic epilepsy type 9; Lipodystrophy, partial, acquired, susceptibility to. Last evaluated: 2022-03-31. Review status: criteria provided, single submitter. Criteria: Invitae Variant Classification Sherloc (09022015). Collection method: clinical testing. Allele origin: germline.
Comment: In summary, the available evidence is currently insufficient to determine the role of this variant in disease. Therefore, it has been classified as a Variant of Uncertain Significance. Algorithms developed to predict the effect of missense changes on protein structure and function (SIFT, PolyPhen-2, Align-GVGD) all suggest that this variant is likely to be disruptive. This variant has not been reported in the literature in individuals affected with LMNB2-related conditions. This variant is present in population databases (no rsID available, gnomAD 0.007%). This sequence change replaces arginine, which is basic and polar, with glutamine, which is neutral and polar, at codon 346 of the LMNB2 protein (p.Arg346Gln).

NM_032737.4(LMNB2):c.1037G>A (p.Arg346Gln)

Gene: LMNB2 (lamin B2; minus strand). Cytogenetic location: 19p13.3.
Variant type: single nucleotide variant.
Coding change: c.1037G>A on transcript NM_032737.4 (MANE Select); coding-DNA position 1037, G replaced by A.
Protein change: p.Arg346Gln; replaces arginine 346 with glutamine.
Molecular consequence: missense variant.
Genome position (GRCh38, 1-based): chr19:2,434,460, C>T on the plus strand (G>A on the coding strand, the complement: LMNB2 is on the minus strand). VCF-style: chr19-2434460-C-T. GRCh37 (hg19) VCF-style: chr19-2434458-C-T.
Other names: short protein forms R346Q.
Identifiers: ClinVar variation 2083720 (VCV002083720.4), dbSNP rs896633395, ClinGen allele CA304225861.